The following is an entry in ClinVar:

NM_002471.4(MYH6):c.2742G>T (p.Lys914Asn)

Gene: MYH6 (myosin heavy chain 6; minus strand). Cytogenetic location: 14q11.2.
Variant type: single nucleotide variant.
Coding change: c.2742G>T on transcript NM_002471.4 (MANE Select); coding-DNA position 2742, G replaced by T.
Protein change: p.Lys914Asn; replaces lysine 914 with asparagine.
Molecular consequence: missense variant.
Genome position (GRCh38, 1-based): chr14:23,393,852, C>A on the plus strand (G>T on the coding strand, the complement: MYH6 is on the minus strand). VCF-style: chr14-23393852-C-A. GRCh37 (hg19) VCF-style: chr14-23863061-C-A.
Other names: short protein forms K914N.
Identifiers: ClinVar variation 1057606 (VCV001057606.10), dbSNP rs1312659522, ClinGen allele CA389013045.

ClinVar aggregate classification (germline): Uncertain significance. Review status: criteria provided, multiple submitters, no conflicts (2 of 4 stars). 3 submissions from 3 submitters: Uncertain significance (3). Last evaluated 2025-12-09.

Conditions:
Cardiovascular phenotype. Identifiers: MedGen CN230736.
Hypertrophic cardiomyopathy 14. Identifiers: MedGen C2750467, MONDO:0013197, OMIM 613251.

Allele frequency attached by ClinVar (database versions not stated): gnomAD exomes below 0.00001 and 0.00001; gnomAD 0.00001.
gnomAD v4.1: 22 of 1,614,100 alleles (0.0014%); highest among the groups gnomAD compares: Non-Finnish European, 0.0018%; no homozygotes.

Submissions (3):

Labcorp Genetics (formerly Invitae), Labcorp
Classification: Uncertain significance for Hypertrophic cardiomyopathy 14. Last evaluated: 2025-12-09. Review status: criteria provided, single submitter. Criteria: Invitae Variant Classification Sherloc (09022015). Collection method: clinical testing. Allele origin: germline.
Comment: This sequence change replaces lysine, which is basic and polar, with asparagine, which is neutral and polar, at codon 914 of the MYH6 protein (p.Lys914Asn). This variant is present in population databases (no rsID available, gnomAD 0.007%). This variant has not been reported in the literature in individuals affected with MYH6-related conditions. ClinVar contains an entry for this variant (Variation ID: 1057606). Invitae Evidence Modeling of protein sequence and biophysical properties (such as structural, functional, and spatial information, amino acid conservation, physicochemical variation, residue mobility, and thermodynamic stability) indicates that this missense variant is not expected to disrupt MYH6 protein function with a negative predictive value of 80%. In summary, the available evidence is currently insufficient to determine the role of this variant in disease. Therefore, it has been classified as a Variant of Uncertain Significance.

GeneDx
Classification: Uncertain significance. Last evaluated: 2024-07-05. Review status: criteria provided, single submitter. Criteria: GeneDx Variant Classification Process June 2021. Collection method: clinical testing. Allele origin: germline. Affected: yes.
Comment: Not observed at significant frequency in large population cohorts (gnomAD); In silico analysis supports that this missense variant has a deleterious effect on protein structure/function; Has not been previously published as pathogenic or benign to our knowledge

Ambry Genetics
Classification: Uncertain significance for Cardiovascular phenotype. Last evaluated: 2022-10-07. Review status: criteria provided, single submitter. Criteria: Ambry Variant Classification Scheme 2023. Collection method: clinical testing. Allele origin: germline.
Comment: The p.K914N variant (also known as c.2742G>T), located in coding exon 20 of the MYH6 gene, results from a G to T substitution at nucleotide position 2742. The lysine at codon 914 is replaced by asparagine, an amino acid with similar properties. This amino acid position is highly conserved in available vertebrate species. In addition, the in silico prediction for this alteration is inconclusive. Since supporting evidence is limited at this time, the clinical significance of this alteration remains unclear.